The following is an entry in ClinVar:

ClinVar aggregate classification (germline): Uncertain significance. Review status: criteria provided, multiple submitters, no conflicts (2 of 4 stars). 2 submissions from 2 submitters: Uncertain significance (2). Last evaluated 2025-09-03.

Conditions:
CEP164-related disorder. Also called: CEP164-related condition.
Nephronophthisis 15 (NPHP15). Identifiers: Orphanet 3156, MedGen C3541853, MONDO:0013917, OMIM 614845.

Submissions (2):

Labcorp Genetics (formerly Invitae), Labcorp
Classification: Uncertain significance for Nephronophthisis 15. Last evaluated: 2025-09-03. Review status: criteria provided, single submitter. Criteria: Invitae Variant Classification Sherloc (09022015). Collection method: clinical testing. Allele origin: germline.
Comment: This sequence change replaces leucine, which is neutral and non-polar, with glutamine, which is neutral and polar, at codon 386 of the CEP164 protein (p.Leu386Gln). This variant is not present in population databases (gnomAD no frequency). This variant has not been reported in the literature in individuals affected with CEP164-related conditions. An algorithm developed to predict the effect of missense changes on protein structure and function (PolyPhen-2) suggests that this variant is likely to be disruptive. In summary, the available evidence is currently insufficient to determine the role of this variant in disease. Therefore, it has been classified as a Variant of Uncertain Significance.

PreventionGenetics, part of Exact Sciences
Classification: Uncertain significance for CEP164-related condition. Last evaluated: 2025-05-21. Review status: criteria provided, single submitter. Criteria: ACMG Guidelines, 2015. Collection method: clinical testing. Allele origin: germline.
Comment: The CEP164 c.1157T>A variant is predicted to result in the amino acid substitution p.Leu386Gln. To our knowledge, this variant has not been reported in the literature or in a large population database (gnomAD), indicating this variant is rare. At this time, the clinical significance of this variant is uncertain due to the absence of conclusive functional and genetic evidence.

NM_014956.5(CEP164):c.1157T>A (p.Leu386Gln)

Gene: CEP164 (centrosomal protein 164; plus strand). Cytogenetic location: 11q23.3.
Variant type: single nucleotide variant.
Coding change: c.1157T>A on transcript NM_014956.5 (MANE Select); coding-DNA position 1157, T replaced by A.
Protein change: p.Leu386Gln; replaces leucine 386 with glutamine.
Molecular consequence: missense variant. On other transcripts: intron variant (1).
Genome position (GRCh38, 1-based): chr11:117,373,755, T>A. VCF-style: chr11-117373755-T-A. GRCh37 (hg19) VCF-style: chr11-117244471-T-A.
Other names: c.1157T>A, p.Leu386Gln (NM_001440971.1, NM_001440978.1, NM_001271933.2 and 16 more transcripts); c.1079T>A, p.Leu360Gln (NM_001440973.1, NM_001440974.1, NM_001440975.1 and 16 more transcripts); c.1019T>A, p.Leu340Gln (NM_001440960.1); c.1075-1953T>A (NM_001440972.1); c.1157T>A (NM_014956.4); short protein forms L340Q, L386Q, L360Q.
Identifiers: ClinVar variation 4700888 (VCV004700888.2).